The following is an entry in ClinVar:

NM_016203.4(PRKAG2):c.129C>T (p.Phe43=)

Gene: PRKAG2 (protein kinase AMP-activated non-catalytic subunit gamma 2; minus strand). Cytogenetic location: 7q36.1.
Variant type: single nucleotide variant.
Coding change: c.129C>T on transcript NM_016203.4 (MANE Select); coding-DNA position 129, C replaced by T.
Protein change: p.Phe43=; no amino-acid change (phenylalanine 43 retained).
Molecular consequence: synonymous variant. On other transcripts: 5 prime UTR variant (1).
Genome position (GRCh38, 1-based): chr7:151,786,527, G>A on the plus strand (C>T on the coding strand, the complement: PRKAG2 is on the minus strand). VCF-style: chr7-151786527-G-A. GRCh37 (hg19) VCF-style: chr7-151483613-G-A.
Other names: c.-4C>T (NM_001040633.2); c.129C>T (NM_016203.3).
Identifiers: ClinVar variation 924606 (VCV000924606.10), dbSNP rs770946241, ClinGen allele CA054684.
Genomic context (GRCh38, chr7:151,786,527, plus strand): 5'-TACCTTTCGAGAGGAATGCTTTCCGGAACCCTCCAGGTCTCCGTCCAGGAGCGGCATGGC[G>A]AAGGAGCTCAGGTCCTAGGGTGGACAGAGAGCACGTGGTCAGTGACAGTGGCCCTCGGGC-3'
Protein context (NP_057287.2, residues 33-53): LRVHIPDLSS[Phe43=]AMPLLDGDLE

ClinVar aggregate classification (germline): Likely benign. Review status: criteria provided, multiple submitters, no conflicts (2 of 4 stars). 5 submissions from 5 submitters: Likely benign (5). Last evaluated 2025-01-19.

Conditions:
Cardiomyopathy (CMYO). Also called: Cardiomyopathies. Identifiers: Orphanet 167848, MedGen C0878544, MONDO:0004994, HP:0001638. Inheritance: Various modes of inheritance.
Cardiovascular phenotype. Identifiers: MedGen CN230736.
Lethal congenital glycogen storage disease of heart. Also called: GLYCOGEN STORAGE DISEASE OF HEART; PHOSPHORYLASE KINASE DEFICIENCY OF HEART. Identifiers: Orphanet 439854, MedGen C1849813, MONDO:0009867, OMIM 261740.
Hypertrophic cardiomyopathy. Also called: HYPERTROPHIC MYOCARDIOPATHY. Identifiers: Orphanet 217569, MedGen C0007194, MeSH D002312, MONDO:0005045, HP:0001639.

Allele frequency attached by ClinVar (database versions not stated): gnomAD exomes below 0.00001; TOPMed 0.00001; ExAC 0.00002; gnomAD 0.00002.
gnomAD v4.1: 8 of 1,612,698 alleles (0.0005%); highest among the groups gnomAD compares: East Asian, 0.0045%; no homozygotes.

Submissions (5):

Labcorp Genetics (formerly Invitae), Labcorp
Classification: Likely benign for Lethal congenital glycogen storage disease of heart. Last evaluated: 2025-01-19. Review status: criteria provided, single submitter. Criteria: Invitae Variant Classification Sherloc (09022015). Collection method: clinical testing. Allele origin: germline.

All of Us Research Program, National Institutes of Health
Classification: Likely benign for Hypertrophic cardiomyopathy. Last evaluated: 2023-10-06. Review status: criteria provided, single submitter. Criteria: ACMG Guidelines, 2015. Collection method: clinical testing. Allele origin: germline. Inheritance: Autosomal dominant inheritance. Observed: 2 variant alleles, 2 heterozygotes.
Comment: This study involves interpretation of variants in research participants for the purpose of population health screening. Participant phenotype was not available at the time of variant classification. Additional details can be found in publication PMID: 35346344, PMCID: PMC8962531

Ambry Genetics
Classification: Likely benign for Cardiovascular phenotype. Last evaluated: 2022-06-19. Review status: criteria provided, single submitter. Criteria: Ambry Variant Classification Scheme 2023. Collection method: clinical testing. Allele origin: germline.

Blueprint Genetics
Classification: Likely benign. Last evaluated: 2020-06-23. Review status: criteria provided, single submitter. Criteria: ACMG Guidelines, 2015. Collection method: clinical testing. Allele origin: germline.

Color Diagnostics, LLC DBA Color Health
Classification: Likely benign for Cardiomyopathy. Last evaluated: 2019-02-08. Review status: criteria provided, single submitter. Criteria: ACMG Guidelines, 2015. Collection method: clinical testing. Allele origin: germline.